The following is an entry in ClinVar:

ClinVar aggregate classification (germline): Pathogenic (1 of 4 stars; one submission).

Conditions:
Immunodeficiency, common variable, 7. Identifiers: Orphanet 1572, Orphanet 696894, MedGen C3542922, MONDO:0013862, OMIM 614699.

Submission:

Labcorp Genetics (formerly Invitae), Labcorp
Classification: Pathogenic for Immunodeficiency, common variable, 7. Last evaluated: 2024-09-20. Review status: criteria provided, single submitter. Criteria: Invitae Variant Classification Sherloc (09022015). Collection method: clinical testing. Allele origin: germline.
Comment: This sequence change creates a premature translational stop signal (p.Ile870Asnfs*5) in the CR2 gene. It is expected to result in an absent or disrupted protein product. Loss-of-function variants in CR2 are known to be pathogenic (PMID: 26325596, 28499783). This variant is not present in population databases (gnomAD no frequency). This variant has not been reported in the literature in individuals affected with CR2-related conditions. For these reasons, this variant has been classified as Pathogenic.

Literature cited by the submitters: PubMed 26325596; PubMed 28499783.

NM_001006658.3(CR2):c.2608dup (p.Ile870fs)

Gene: CR2 (complement C3d receptor 2; plus strand). Cytogenetic location: 1q32.2.
Variant type: Duplication.
Coding change: c.2608dup on transcript NM_001006658.3 (MANE Select); coding-DNA position 2608, one base duplicated (A; older notation c.2608dupA).
Protein change: p.Ile870fs; shifts the reading frame from isoleucine 870.
Molecular consequence: frameshift variant.
Genome position (GRCh38, 1-based): chr1:207,475,108, A duplicated. VCF-style (leftmost placement, unchanged base first): chr1-207475107-C-CA. GRCh37 (hg19) VCF-style: chr1-207648452-C-CA.
Other names: c.2431dup, p.Ile811fs (NM_001877.5); short protein forms I811fs, I870fs.
Identifiers: ClinVar variation 3664550 (VCV003664550.2).